The following is an entry in ClinVar:

NM_000492.4(CFTR):c.1451A>G (p.His484Arg)

Genes: CFTR (CF transmembrane conductance regulator; plus strand), CFTR-AS1 (CFTR antisense RNA 1; minus strand). Cytogenetic location: 7q31.2.
Variant type: single nucleotide variant.
Coding change: c.1451A>G on transcript NM_000492.4 (MANE Select); coding-DNA position 1451, A replaced by G.
Protein change: p.His484Arg; replaces histidine 484 with arginine.
Molecular consequence: missense variant.
Genome position (GRCh38, 1-based): chr7:117,559,522, A>G. VCF-style: chr7-117559522-A-G. GRCh37 (hg19) VCF-style: chr7-117199576-A-G.
Other names: short protein forms H484R.
Identifiers: ClinVar variation 1163011 (VCV001163011.14), dbSNP rs1427892651, ClinGen allele CA368984461.
Genomic context (GRCh38, chr7:117,559,522, plus strand): 5'-AGACTTCACTTCTAATGGTGATTATGGGAGAACTGGAGCCTTCAGAGGGTAAAATTAAGC[A>G]CAGTGGAAGAATTTCATTCTGTTCTCAGTTTTCCTGGATTATGCCTGGCACCATTAAAGA-3'
Protein context (NP_000483.3, residues 474-494): ELEPSEGKIK[His484Arg]SGRISFCSQF

ClinVar aggregate classification (germline): Uncertain significance. Review status: criteria provided, multiple submitters, no conflicts (2 of 4 stars). 5 submissions from 5 submitters: Uncertain significance (5). Last evaluated 2025-12-08.

Conditions:
Cystic fibrosis (CF). Also called: MUCOVISCIDOSIS. Identifiers: Orphanet 586, MedGen C0010674, MONDO:0009061, OMIM 219700. Disease mechanism: loss of function.
CFTR-related disorder (CFTR-RD). Also called: CFTR-related condition; CFTR-related disorders. Identifiers: MedGen C5924204, MONDO:7770004.

Allele frequency attached by ClinVar (database versions not stated): gnomAD exomes 0.00001; TOPMed 0.00001.
gnomAD v4.1: 14 of 1,612,096 alleles (0.00087%); highest among the groups gnomAD compares: African/African-American, 0.0013%; no homozygotes.

Submissions (5):

Women's Health and Genetics/Laboratory Corporation of America, LabCorp
Classification: Uncertain significance. Last evaluated: 2025-12-08. Review status: criteria provided, single submitter. Criteria: LabCorp Variant Classification Summary - May 2015. Collection method: clinical testing. Allele origin: germline.
Comment: Variant summary: CFTR c.1451A>G (p.His484Arg) results in a non-conservative amino acid change located in the ABC transporter-like, ATP-binding domain (IPR003439) of the encoded protein sequence. Algorithms developed to predict the effect of missense changes on protein structure and function all suggest that this variant is likely to be disruptive. The variant was absent in 251326 control chromosomes. The available data on variant occurrences in the general population are insufficient to allow any conclusion about variant significance. c.1451A>G has been reported in the literature in individuals affected with clinical features of Cystic Fibrosis (Cassini_2023, LeMarchal_2001, Bryrup_2024) or acute pancreatitis (Abu-El-Haija_2024). These report(s) do not provide unequivocal conclusions about association of the variant with Cystic Fibrosis. To our knowledge, no experimental evidence demonstrating an impact on protein function has been reported. The following publications have been ascertained in the context of this evaluation (PMID: 38871151, 39092470, 37622442, 11379874). ClinVar contains an entry for this variant (Variation ID: 1163011). Based on the evidence outlined above, the variant was classified as uncertain significance.

PreventionGenetics, part of Exact Sciences
Classification: Uncertain significance for CFTR-related condition. Last evaluated: 2025-12-03. Review status: criteria provided, single submitter. Criteria: ACMG Guidelines, 2015. Collection method: clinical testing. Allele origin: germline.
Comment: The CFTR c.1451A>G variant is predicted to result in the amino acid substitution p.His484Arg. This variant has been reported along with heterozygous p.Phe508del (phase unknown) in a patient with a diagnosis of cystic fibrosis but with sweat chloride within normal range (Bryrup et al. 2024. PubMed ID: 39092470). This variant has not been reported in a large population database (gnomAD), indicating this variant is rare. At this time, the clinical significance of this variant is uncertain due to the absence of conclusive functional and genetic evidence.

Ambry Genetics
Classification: Uncertain significance for Cystic fibrosis. Last evaluated: 2023-02-06. Review status: criteria provided, single submitter. Criteria: Ambry Variant Classification Scheme 2023. Collection method: clinical testing. Allele origin: germline.
Comment: The p.H484R variant (also known as c.1451A>G), located in coding exon 11 of the CFTR gene, results from an A to G substitution at nucleotide position 1451. The histidine at codon 484 is replaced by arginine, an amino acid with highly similar properties. In one study, this variant was detected in an individual with neonatal hypertrypsinemia; no additional clinical information was provided and the presence (or absence) of a second mutation was not discussed (Le Mar&eacute;chal C et al. Hum. Genet. 2001; 108:290-8). This amino acid position is highly conserved in available vertebrate species. In addition, this alteration is predicted to be deleterious by in silico analysis. Since supporting evidence is limited at this time, the clinical significance of this alteration remains unclear.

Labcorp Genetics (formerly Invitae), Labcorp
Classification: Uncertain significance for Cystic fibrosis. Last evaluated: 2022-04-13. Review status: criteria provided, single submitter. Criteria: Invitae Variant Classification Sherloc (09022015). Collection method: clinical testing. Allele origin: germline.
Comment: This sequence change replaces histidine, which is basic and polar, with arginine, which is basic and polar, at codon 484 of the CFTR protein (p.His484Arg). This variant is not present in population databases (gnomAD no frequency). This variant has not been reported in the literature in individuals affected with CFTR-related conditions. ClinVar contains an entry for this variant (Variation ID: 1163011). Algorithms developed to predict the effect of missense changes on protein structure and function (SIFT, PolyPhen-2, Align-GVGD) all suggest that this variant is likely to be tolerated. In summary, the available evidence is currently insufficient to determine the role of this variant in disease. Therefore, it has been classified as a Variant of Uncertain Significance.

Mayo Clinic Laboratories, Mayo Clinic
Classification: Uncertain significance. Last evaluated: 2019-07-08. Review status: criteria provided, single submitter. Criteria: ACMG Guidelines, 2015. Collection method: clinical testing. Allele origin: germline. Observed: 1 variant allele.

Literature cited by the submitters: PubMed 11379874 (cited by Women's Health and Genetics/Laboratory Corporation of America, LabCorp and Ambry Genetics); PubMed 37622442 (cited by Women's Health and Genetics/Laboratory Corporation of America, LabCorp); PubMed 38871151 (cited by Women's Health and Genetics/Laboratory Corporation of America, LabCorp); PubMed 39092470 (cited by Women's Health and Genetics/Laboratory Corporation of America, LabCorp).